The following is an entry in ClinVar:

NM_020884.7(MYH7B):c.3271G>A (p.Asp1091Asn)

Gene: MYH7B (myosin heavy chain 7B; plus strand). Cytogenetic location: 20q11.22.
Variant type: single nucleotide variant.
Coding change: c.3271G>A on transcript NM_020884.7 (MANE Select); coding-DNA position 3271, G replaced by A.
Protein change: p.Asp1091Asn; replaces aspartic acid 1091 with asparagine.
Molecular consequence: missense variant.
Genome position (GRCh38, 1-based): chr20:34,997,087, G>A. VCF-style: chr20-34997087-G-A. GRCh37 (hg19) VCF-style: chr20-33584890-G-A.
Other names: short protein forms D1091N.
Identifiers: ClinVar variation 1463087 (VCV001463087.6), dbSNP rs1226762094, ClinGen allele CA408710589.

ClinVar aggregate classification (germline): Uncertain significance (1 of 4 stars; one submission).

Allele frequency attached by ClinVar (database versions not stated): gnomAD exomes below 0.00001 and 0.00001; TOPMed below 0.00001.
gnomAD v4.1: 1 of 1,548,546 alleles (0.000065%); highest among the groups gnomAD compares: East Asian, 0.0024%; no homozygotes.

Submission:

Labcorp Genetics (formerly Invitae), Labcorp
Classification: Uncertain significance. Last evaluated: 2022-07-06. Review status: criteria provided, single submitter. Criteria: Invitae Variant Classification Sherloc (09022015). Collection method: clinical testing. Allele origin: germline.
Comment: This sequence change replaces aspartic acid, which is acidic and polar, with asparagine, which is neutral and polar, at codon 1133 of the MYH7B protein (p.Asp1133Asn). This variant is present in population databases (no rsID available, gnomAD 0.02%). This variant has not been reported in the literature in individuals affected with MYH7B-related conditions. ClinVar contains an entry for this variant (Variation ID: 1463087). Algorithms developed to predict the effect of missense changes on protein structure and function are either unavailable or do not agree on the potential impact of this missense change (SIFT: "Deleterious"; PolyPhen-2: "Possibly Damaging"; Align-GVGD: "Class C15"). In summary, the available evidence is currently insufficient to determine the role of this variant in disease. Therefore, it has been classified as a Variant of Uncertain Significance.